The following is an entry in ClinVar:

NM_001848.3(COL6A1):c.1553C>A (p.Thr518Asn)

Gene: COL6A1 (collagen type VI alpha 1 chain; plus strand). Cytogenetic location: 21q22.3.
Variant type: single nucleotide variant.
Coding change: c.1553C>A on transcript NM_001848.3 (MANE Select); coding-DNA position 1553, C replaced by A.
Protein change: p.Thr518Asn; replaces threonine 518 with asparagine.
Molecular consequence: missense variant.
Genome position (GRCh38, 1-based): chr21:45,998,149, C>A. VCF-style: chr21-45998149-C-A. GRCh37 (hg19) VCF-style: chr21-47418063-C-A.
Other names: short protein forms T518N.
Identifiers: ClinVar variation 290085 (VCV000290085.20), dbSNP rs201935658, ClinGen allele CA10070395.

ClinVar aggregate classification (germline): Conflicting classifications of pathogenicity. Review status: criteria provided, conflicting classifications (1 of 4 stars). 6 submissions from 6 submitters: Uncertain significance (4); Benign (1); Likely benign (1). Last evaluated 2024-11-06.

Conditions:
Collagen 6-related myopathy. Identifiers: MedGen CN117976, MONDO:0100225.
Bethlem myopathy 1A. Also called: MYOPATHY, BENIGN CONGENITAL, WITH CONTRACTURES; Bethlem myopathy 1; Bethlem Muscular Dystrophy. Identifiers: Orphanet 610, MedGen CN029274, MONDO:0024530, OMIM 158810.

Allele frequency attached by ClinVar (database versions not stated): gnomAD 0.00006; TOPMed 0.00007; gnomAD exomes 0.00011; ESP Exome Variant Server 0.00015; ExAC 0.00020.
gnomAD v4.1: 133 of 1,612,348 alleles (0.0082%); highest among the groups gnomAD compares: Non-Finnish European, 0.0096%; no homozygotes.

Submissions (6):

Blueprint Genetics
Classification: Uncertain significance. Last evaluated: 2024-11-06. Review status: criteria provided, single submitter. Criteria: ACMG Guidelines, 2015. Collection method: clinical testing. Allele origin: germline.

Labcorp Genetics (formerly Invitae), Labcorp
Classification: Likely benign for Bethlem myopathy 1A. Last evaluated: 2024-10-22. Review status: criteria provided, single submitter. Criteria: Invitae Variant Classification Sherloc (09022015). Collection method: clinical testing. Allele origin: germline.

GeneDx
Classification: Uncertain significance. Last evaluated: 2024-01-28. Review status: criteria provided, single submitter. Criteria: GeneDx Variant Classification Process June 2021. Collection method: clinical testing. Allele origin: germline. Affected: yes.
Comment: Identified as heterozygous in an individuals with clinically suspected limb girdle muscular dystrophy, but no additional phenotypic or segregation information was specified in this report (PMID: 30564623); In silico analysis indicates that this missense variant does not alter protein structure/function; This variant is associated with the following publications: (PMID: 30564623)

Revvity Omics, Revvity
Classification: Uncertain significance. Last evaluated: 2023-11-22. Review status: criteria provided, single submitter. Criteria: ACMG Guidelines, 2015. Collection method: clinical testing. Allele origin: germline.

Illumina Laboratory Services, Illumina
Classification: Benign for Collagen VI-related myopathy. Last evaluated: 2018-01-13. Review status: criteria provided, single submitter. Criteria: ICSL Variant Classification Criteria 13 December 2019. Collection method: clinical testing. Allele origin: germline.
Comment: This variant was observed in the ICSL laboratory as part of a predisposition screen in an ostensibly healthy population. It had not been previously curated by ICSL or reported in the Human Gene Mutation Database (HGMD: prior to June 1st, 2018), and was therefore a candidate for classification through an automated scoring system. Utilizing variant allele frequency, disease prevalence and penetrance estimates, and inheritance mode, an automated score was calculated to assess if this variant is too frequent to cause the disease. Based on the score and internal cut-off values, a variant classified as benign is not then subjected to further curation. The score for this variant resulted in a classification of benign for this disease.

Eurofins Ntd Llc (ga)
Classification: Uncertain significance. Last evaluated: 2016-08-22. Review status: criteria provided, single submitter. Criteria: EGL Classification Definitions 2015. Collection method: clinical testing. Allele origin: germline. Observed: 1 variant allele, 1 heterozygote.